The following is an entry in ClinVar:

ClinVar aggregate classification (germline): Uncertain significance (1 of 4 stars; one submission).

Conditions:
Developmental and epileptic encephalopathy, 46 (DEE46). Also called: Epileptic encephalopathy, early infantile, 46; GRIN2D-Related Developmental and Epileptic Encephalopathy. Identifiers: MedGen C4310687, MONDO:0014947, OMIM 617162.

Submission:

Dasa
Classification: Uncertain significance for Developmental and epileptic encephalopathy, 46. Last evaluated: 2025-11-10. Review status: criteria provided, single submitter. Criteria: DASA Assertion Criteria. Collection method: clinical testing. Allele origin: germline.
Comment: NM_000836.4(GRIN2D):c.2244C>T (p.Leu748=) is a synonymous variant predicted not to alter the encoded amino acid sequence. This variant is absent from population databases. Computational prediction algorithms are consistent with a deleterious effect. The currently available literature and clinical evidence are not sufficient to establish a definitive association between this variant and the reported condition. Therefore, this variant is classified as a variant of uncertain significance.

NM_000836.4(GRIN2D):c.2244C>T (p.Leu748=)

Gene: GRIN2D (glutamate ionotropic receptor NMDA type subunit 2D; plus strand). Cytogenetic location: 19q13.33.
Variant type: single nucleotide variant.
Coding change: c.2244C>T on transcript NM_000836.4 (MANE Select); coding-DNA position 2244, C replaced by T.
Protein change: p.Leu748=; no amino-acid change (leucine 748 retained).
Molecular consequence: synonymous variant.
Genome position (GRCh38, 1-based): chr19:48,421,937, C>T. VCF-style: chr19-48421937-C-T. GRCh37 (hg19) VCF-style: chr19-48925194-C-T.
Identifiers: ClinVar variation 4883606 (VCV004883606.2).
Genomic context (GRCh38, chr19:48,421,937, plus strand): 5'-CATGCACAGCTACATGGTGCGCTACAACCAGCCCCGCGTAGAGGAAGCGCTCACTCAGCT[C>T]AAGGCAGGGTCAGCGCAGACTCGGGCCGGGGGTGGGGGTTGGGCCGCTGGGGACCTGAGG-3'
Protein context (NP_000827.2, residues 738-758): QPRVEEALTQ[Leu748=]KAGKLDAFIY